The following is an entry in ClinVar:

ClinVar aggregate classification (germline): Likely pathogenic (1 of 4 stars; one submission).

Conditions:
OTOGL-related disorder. Also called: OTOGL-related condition.

gnomAD v4.1: 8 of 1,538,472 alleles (0.00052%); highest among the groups gnomAD compares: African/African-American, 0.011%; no homozygotes.

Submission:

PreventionGenetics, part of Exact Sciences
Classification: Likely pathogenic for OTOGL-related condition. Last evaluated: 2025-02-28. Review status: criteria provided, single submitter. Criteria: ACMG Guidelines, 2015. Collection method: clinical testing. Allele origin: germline.
Comment: The OTOGL c.3036+1G>T variant is predicted to disrupt the GT donor site and interfere with normal splicing. To our knowledge, this variant has not been reported in the literature. This variant is reported in 0.0013% of alleles in individuals of European (Non-Finnish) descent in gnomAD. Variants that disrupt the consensus splice donor site in OTOGL are expected to be pathogenic. This variant is interpreted as likely pathogenic.

NM_001378609.3(OTOGL):c.3063+1G>T

Gene: OTOGL (otogelin like; plus strand). Cytogenetic location: 12q21.31.
Variant type: single nucleotide variant.
Coding change: c.3063+1G>T on transcript NM_001378609.3 (MANE Select); the canonical splice donor site of the intron after coding-DNA position 3063, G replaced by T.
Molecular consequence: splice donor variant. On other transcripts: intron variant (1).
Genome position (GRCh38, 1-based): chr12:80,296,962, G>T. VCF-style: chr12-80296962-G-T. GRCh37 (hg19) VCF-style: chr12-80690742-G-T.
Other names: c.2929-5672G>T (NM_001368062.3); c.3063+1G>T (NM_001378610.3, NM_173591.7).
Identifiers: ClinVar variation 4982603 (VCV004982603.1).